The following is an entry in ClinVar:

ClinVar aggregate classification (germline): Uncertain significance (1 of 4 stars; one submission).

Allele frequency attached by ClinVar (database versions not stated): gnomAD exomes below 0.00001; TOPMed below 0.00001; gnomAD 0.00001.
gnomAD v4.1: 3 of 1,612,576 alleles (0.00019%); highest among the groups gnomAD compares: Non-Finnish European, 0.00025%; no homozygotes.

Submission:

Labcorp Genetics (formerly Invitae), Labcorp
Classification: Uncertain significance. Last evaluated: 2021-02-15. Review status: criteria provided, single submitter. Criteria: Invitae Variant Classification Sherloc (09022015). Collection method: clinical testing. Allele origin: germline.
Comment: In summary, the available evidence is currently insufficient to determine the role of this variant in disease. Therefore, it has been classified as a Variant of Uncertain Significance. Algorithms developed to predict the effect of missense changes on protein structure and function (SIFT, PolyPhen-2, Align-GVGD) all suggest that this variant is likely to be tolerated, but these predictions have not been confirmed by published functional studies and their clinical significance is uncertain. This variant has not been reported in the literature in individuals with MYSM1-related conditions. This variant is not present in population databases (ExAC no frequency). This sequence change replaces threonine with alanine at codon 451 of the MYSM1 protein (p.Thr451Ala). The threonine residue is highly conserved and there is a small physicochemical difference between threonine and alanine.

NM_001085487.3(MYSM1):c.1351A>G (p.Thr451Ala)

Gene: MYSM1 (Myb like, SWIRM and MPN domains 1; minus strand). Cytogenetic location: 1p32.1.
Variant type: single nucleotide variant.
Coding change: c.1351A>G on transcript NM_001085487.3 (MANE Select); coding-DNA position 1351, A replaced by G.
Protein change: p.Thr451Ala; replaces threonine 451 with alanine.
Molecular consequence: missense variant.
Genome position (GRCh38, 1-based): chr1:58,676,965, T>C on the plus strand (A>G on the coding strand, the complement: MYSM1 is on the minus strand). VCF-style: chr1-58676965-T-C. GRCh37 (hg19) VCF-style: chr1-59142637-T-C.
Other names: short protein forms T451A.
Identifiers: ClinVar variation 1510375 (VCV001510375.8), dbSNP rs1184172012, ClinGen allele CA340521681.
Genomic context (GRCh38, chr1:58,676,965, plus strand): 5'-TTGTTGGGTTTTTATTTTTACCACATCCAAAATTGATTGCTCCTATCAATTCGAGGTATG[T>C]ATGAATCCGTCCAATACAATTAACATCTCCACAGTTCTTCAGGCCAGGACGTACTGAGGT-3'
Protein context (NP_001078956.1, residues 441-461): GDVNCIGRIH[Thr451Ala]YLELIGAINF